The following is an entry in ClinVar:

ClinVar aggregate classification (germline): Uncertain significance. Review status: criteria provided, multiple submitters, no conflicts (2 of 4 stars). 2 submissions from 2 submitters: Uncertain significance (2). Last evaluated 2025-08-14.

Allele frequency attached by ClinVar (database versions not stated): gnomAD exomes 0.00001; gnomAD 0.00015 and 0.00016; TOPMed 0.00017.
gnomAD v4.1: 37 of 1,614,040 alleles (0.0023%); highest among the groups gnomAD compares: African/African-American, 0.043%; no homozygotes.

Submissions (2):

Ambry Genetics
Classification: Uncertain significance. Last evaluated: 2025-08-14. Review status: criteria provided, single submitter. Criteria: Ambry Variant Classification Scheme 2023. Collection method: clinical testing. Allele origin: germline.

Labcorp Genetics (formerly Invitae), Labcorp
Classification: Uncertain significance. Last evaluated: 2024-07-15. Review status: criteria provided, single submitter. Criteria: Invitae Variant Classification Sherloc (09022015). Collection method: clinical testing. Allele origin: germline.
Comment: This sequence change replaces proline, which is neutral and non-polar, with serine, which is neutral and polar, at codon 928 of the HYOU1 protein (p.Pro928Ser). This variant is present in population databases (rs782371844, gnomAD 0.04%). This variant has not been reported in the literature in individuals affected with HYOU1-related conditions. ClinVar contains an entry for this variant (Variation ID: 1394824). An algorithm developed to predict the effect of missense changes on protein structure and function (PolyPhen-2) suggests that this variant is likely to be tolerated. In summary, the available evidence is currently insufficient to determine the role of this variant in disease. Therefore, it has been classified as a Variant of Uncertain Significance.

NM_006389.5(HYOU1):c.2782C>T (p.Pro928Ser)

Gene: HYOU1 (hypoxia up-regulated 1; minus strand). Cytogenetic location: 11q23.3.
Variant type: single nucleotide variant.
Coding change: c.2782C>T on transcript NM_006389.5 (MANE Select); coding-DNA position 2782, C replaced by T.
Protein change: p.Pro928Ser; replaces proline 928 with serine.
Molecular consequence: missense variant.
Genome position (GRCh38, 1-based): chr11:119,046,616, G>A on the plus strand (C>T on the coding strand, the complement: HYOU1 is on the minus strand). VCF-style: chr11-119046616-G-A. GRCh37 (hg19) VCF-style: chr11-118917328-G-A.
Other names: c.2782C>T (NM_006389.3); c.2782C>T, p.Pro928Ser (NM_001130991.3); short protein forms P928S.
Identifiers: ClinVar variation 1394824 (VCV001394824.9), dbSNP rs782371844, ClinGen allele CA229616835.
Genomic context (GRCh38, chr11:119,046,616, plus strand): 5'-TCTCACCTGCTGGAGGGATGACCTTCTCCCCCTGGTCACTGGCACTGGCATTGAGGGGTG[G>A]CTCTGCCCGGGTCCCATTCTTGTCCTTAGGCCGGGGCCGGGGCTTGGTAAACTTGGCCTT-3'
Protein context (NP_006380.1, residues 918-938): PKDKNGTRAE[Pro928Ser]PLNASASDQG